The following is an entry in ClinVar:

NM_001276345.2(TNNT2):c.609+179T>C

Gene: TNNT2 (troponin T2, cardiac type; minus strand). Cytogenetic location: 1q32.1.
Variant type: single nucleotide variant.
Coding change: c.609+179T>C on transcript NM_001276345.2 (MANE Select); 179 bases into the intron after coding-DNA position 609, T replaced by C.
Molecular consequence: intron variant.
Genome position (GRCh38, 1-based): chr1:201,362,207, A>G on the plus strand (T>C on the coding strand, the complement: TNNT2 is on the minus strand). VCF-style: chr1-201362207-A-G. GRCh37 (hg19) VCF-style: chr1-201331335-A-G.
Other names: c.561+179T>C (NM_001001432.3); c.571-185T>C (NM_001001431.3); c.579+179T>C (NM_001001430.3, NM_001276347.2); c.481-185T>C (NM_001276346.2); c.601-185T>C (NM_000364.4).
Identifiers: ClinVar variation 672957 (VCV000672957.1), dbSNP rs11807637, ClinGen allele CA35418956.

ClinVar aggregate classification (germline): Benign (1 of 4 stars; one submission).

Allele frequency attached by ClinVar (database versions not stated): gnomAD exomes 0.10852; gnomAD 0.14278 and 0.14496; ESP Exome Variant Server 0.14498; TOPMed 0.15112; 1000 Genomes Project 30x 0.16099; 1000 Genomes Project 0.16554.
gnomAD v4.1: 141,593 of 1,255,334 alleles (11%); highest among the groups gnomAD compares: East Asian, 24%; 9,330 homozygotes.

Submission:

GeneDx
Classification: Benign. Last evaluated: 2018-06-19. Review status: criteria provided, single submitter. Criteria: GeneDx Variant Classification (06012015). Collection method: clinical testing. Allele origin: germline. Affected: yes.
Comment: This variant is considered likely benign or benign based on one or more of the following criteria: it is a conservative change, it occurs at a poorly conserved position in the protein, it is predicted to be benign by multiple in silico algorithms, and/or has population frequency not consistent with disease.